The following is an entry in ClinVar:

NM_182961.4(SYNE1):c.24120G>C (p.Lys8040Asn)

Gene: SYNE1 (spectrin repeat containing nuclear envelope protein 1; minus strand). Cytogenetic location: 6q25.2.
Variant type: single nucleotide variant.
Coding change: c.24120G>C on transcript NM_182961.4 (MANE Select); coding-DNA position 24120, G replaced by C.
Protein change: p.Lys8040Asn; replaces lysine 8040 with asparagine.
Molecular consequence: missense variant.
Genome position (GRCh38, 1-based): chr6:152,154,901, C>G on the plus strand (G>C on the coding strand, the complement: SYNE1 is on the minus strand). VCF-style: chr6-152154901-C-G. GRCh37 (hg19) VCF-style: chr6-152476036-C-G.
Other names: c.726G>C, p.Lys242Asn (NM_001347701.2); c.585G>C, p.Lys195Asn (NM_001347702.2); c.23907G>C, p.Lys7969Asn (NM_033071.5); c.23907G>C (NM_033071.3); short protein forms K7969N, K8040N, K242N, K195N.
Identifiers: ClinVar variation 1363710 (VCV001363710.7), dbSNP rs2152941881, ClinGen allele CA366087665.

ClinVar aggregate classification (germline): Uncertain significance. Review status: criteria provided, multiple submitters, no conflicts (2 of 4 stars). 2 submissions from 2 submitters: Uncertain significance (2). Last evaluated 2025-05-05.

Conditions:
Autosomal recessive ataxia, Beauce type. Also called: SYNE1-Related Autosomal Recessive Cerebellar Ataxia; SYNE1 Deficiency; Spinocerebellar ataxia, autosomal recessive 8; ATAXIA, RECESSIVE, OF BEAUCE. Identifiers: Orphanet 88644, MedGen C1853116, MONDO:0012549, OMIM 610743.
Emery-Dreifuss muscular dystrophy 4, autosomal dominant (EDMD4). Also called: EMERY-DREIFUSS MUSCULAR DYSTROPHY 4 WITH VARIABLE FEATURES. Identifiers: Orphanet 261, MedGen C2751807, MONDO:0013071, OMIM 612998.

Submissions (2):

GeneDx
Classification: Uncertain significance. Last evaluated: 2025-05-05. Review status: criteria provided, single submitter. Criteria: GeneDx Variant Classification Process June 2021. Collection method: clinical testing. Allele origin: germline. Affected: yes.
Comment: Not observed at significant frequency in large population cohorts (gnomAD); In silico analysis supports that this missense variant has a deleterious effect on protein structure/function; Has not been previously published as pathogenic or benign to our knowledge

Labcorp Genetics (formerly Invitae), Labcorp
Classification: Uncertain significance for Emery-Dreifuss muscular dystrophy 4, autosomal dominant; Autosomal recessive ataxia, Beauce type. Last evaluated: 2023-07-17. Review status: criteria provided, single submitter. Criteria: Invitae Variant Classification Sherloc (09022015). Collection method: clinical testing. Allele origin: germline.
Comment: In summary, the available evidence is currently insufficient to determine the role of this variant in disease. Therefore, it has been classified as a Variant of Uncertain Significance. An algorithm developed to predict the effect of missense changes on protein structure and function (PolyPhen-2) suggests that this variant is likely to be disruptive. ClinVar contains an entry for this variant (Variation ID: 1363710). This variant has not been reported in the literature in individuals affected with SYNE1-related conditions. This variant is not present in population databases (gnomAD no frequency). This sequence change replaces lysine, which is basic and polar, with asparagine, which is neutral and polar, at codon 7969 of the SYNE1 protein (p.Lys7969Asn).